The following is an entry in ClinVar:

NM_004991.4(MECOM):c.1366A>G (p.Met456Val)

Gene: MECOM (MDS1 and EVI1 complex locus; minus strand). Cytogenetic location: 3q26.2.
Variant type: single nucleotide variant.
Coding change: c.1366A>G on transcript NM_004991.4 (MANE Select); coding-DNA position 1366, A replaced by G.
Protein change: p.Met456Val; replaces methionine 456 with valine.
Molecular consequence: missense variant. On other transcripts: intron variant (2).
Genome position (GRCh38, 1-based): chr3:169,116,506, T>C on the plus strand (A>G on the coding strand, the complement: MECOM is on the minus strand). VCF-style: chr3-169116506-T-C. GRCh37 (hg19) VCF-style: chr3-168834294-T-C.
Other names: c.997A>G, p.Met333Val (NM_001105077.4); c.802A>G, p.Met268Val (NM_001105078.4, NM_001164000.2, NM_001205194.2 and 4 more transcripts); c.805A>G, p.Met269Val (NM_001163999.2, NM_001366467.2, NM_001366468.2 and 1 more transcripts); c.1366A>G, p.Met456Val (NM_001366466.2); c.1133-739A>G (NM_001366473.2); c.569-739A>G (NM_001366474.2); short protein forms M269V, M333V, M268V, M456V.
Identifiers: ClinVar variation 2903642 (VCV002903642.3), dbSNP rs148137162, ClinGen allele CA2696349.

ClinVar aggregate classification (germline): Uncertain significance (1 of 4 stars; one submission).

Allele frequency attached by ClinVar (database versions not stated): gnomAD 0.00005; ESP Exome Variant Server 0.00015; ExAC 0.00002; TOPMed 0.00004; gnomAD exomes 0.00001.
gnomAD v4.1: 20 of 1,614,064 alleles (0.0012%); highest among the groups gnomAD compares: Non-Finnish European, 0.0016%; no homozygotes.

Submission:

Labcorp Genetics (formerly Invitae), Labcorp
Classification: Uncertain significance. Last evaluated: 2026-01-03. Review status: criteria provided, single submitter. Criteria: Invitae Variant Classification Sherloc (09022015). Collection method: clinical testing. Allele origin: germline.
Comment: This sequence change replaces methionine, which is neutral and non-polar, with valine, which is neutral and non-polar, at codon 268 of the MECOM protein (p.Met268Val). This variant is present in population databases (rs148137162, gnomAD 0.002%). This variant has not been reported in the literature in individuals affected with MECOM-related conditions. ClinVar contains an entry for this variant (Variation ID: 2903642). An algorithm developed to predict the effect of missense changes on protein structure and function (PolyPhen-2) suggests that this variant is likely to be tolerated. In summary, the available evidence is currently insufficient to determine the role of this variant in disease. Therefore, it has been classified as a Variant of Uncertain Significance.